The following is an entry in ClinVar:

ClinVar aggregate classification (germline): Likely benign (0 of 4 stars; one submission).

Conditions:
SMARCA4-related disorder. Also called: SMARCA4-related condition.

Submission:

PreventionGenetics, part of Exact Sciences
Classification: Likely benign for SMARCA4-related condition. Last evaluated: 2024-03-04. Review status: no assertion criteria provided. Collection method: clinical testing. Allele origin: germline.
Comment: This variant is classified as likely benign based on ACMG/AMP sequence variant interpretation guidelines (Richards et al. 2015 PMID: 25741868, with internal and published modifications).

NM_003072.5(SMARCA4):c.4912-3C>A

Gene: SMARCA4 (SWI/SNF related BAF chromatin remodeling complex subunit ATPase 4; plus strand). Cytogenetic location: 19p13.2.
Variant type: single nucleotide variant.
Coding change: c.4912-3C>A on transcript NM_003072.5 (MANE Select); 3 bases into the intron before coding-DNA position 4912, C replaced by A.
Molecular consequence: intron variant.
Genome position (GRCh38, 1-based): chr19:11,061,781, C>A. VCF-style: chr19-11061781-C-A. GRCh37 (hg19) VCF-style: chr19-11172457-C-A.
Other names: c.4912-3C>A (NM_001128844.3); c.5008-3C>A (NM_001128849.3, NM_001387283.1); c.4813-3C>A (NM_001128847.4, NM_001374457.1); c.4909-3C>A (NM_001411150.1); c.4822-3C>A (NM_001128845.2); c.4819-3C>A (NM_001128846.2); c.4810-3C>A (NM_001128848.2).
Identifiers: ClinVar variation 3348649 (VCV003348649.1).